The following is an entry in ClinVar:

ClinVar aggregate classification (germline): Uncertain significance. Review status: criteria provided, multiple submitters, no conflicts (2 of 4 stars). 2 submissions from 2 submitters: Uncertain significance (2). Last evaluated 2024-01-23.

Conditions:
Primary ciliary dyskinesia 33. Also called: CILIARY DYSKINESIA, PRIMARY, 33, WITHOUT SITUS INVERSUS. Identifiers: Orphanet 244, MedGen C4225230, MONDO:0014750, OMIM 616726.
Inborn genetic diseases. Identifiers: MedGen C0950123, MeSH D030342.

Allele frequency attached by ClinVar (database versions not stated): ExAC 0.00002; TOPMed 0.00005; ESP Exome Variant Server 0.00008.
gnomAD v4.1: 7 of 1,606,648 alleles (0.00044%); highest among the groups gnomAD compares: Admixed American, 0.0068%; no homozygotes.

Submissions (2):

Ambry Genetics
Classification: Uncertain significance for Inborn genetic diseases. Last evaluated: 2024-01-23. Review status: criteria provided, single submitter. Criteria: Ambry Variant Classification Scheme 2023. Collection method: clinical testing. Allele origin: germline.

Labcorp Genetics (formerly Invitae), Labcorp
Classification: Uncertain significance for Primary ciliary dyskinesia 33. Last evaluated: 2022-07-07. Review status: criteria provided, single submitter. Criteria: Invitae Variant Classification Sherloc (09022015). Collection method: clinical testing. Allele origin: germline.
Comment: This variant is present in population databases (rs370443478, gnomAD 0.009%). In summary, the available evidence is currently insufficient to determine the role of this variant in disease. Therefore, it has been classified as a Variant of Uncertain Significance. Algorithms developed to predict the effect of missense changes on protein structure and function (SIFT, PolyPhen-2, Align-GVGD) all suggest that this variant is likely to be disruptive. This variant has not been reported in the literature in individuals affected with GAS8-related conditions. This sequence change replaces glutamic acid, which is acidic and polar, with valine, which is neutral and non-polar, at codon 355 of the GAS8 protein (p.Glu355Val).

NM_001481.3(DRC4):c.1064A>T (p.Glu355Val)

Gene: DRC4 (dynein regulatory complex subunit 4; plus strand). Cytogenetic location: 16q24.3.
Variant type: single nucleotide variant.
Coding change: c.1064A>T on transcript NM_001481.3 (MANE Select); coding-DNA position 1064, A replaced by T.
Protein change: p.Glu355Val; replaces glutamic acid 355 with valine.
Molecular consequence: missense variant. On other transcripts: non-coding transcript variant (1).
Genome position (GRCh38, 1-based): chr16:90,040,352, A>T. VCF-style: chr16-90040352-A-T. GRCh37 (hg19) VCF-style: chr16-90106760-A-T.
Other names: c.815A>T, p.Glu272Val (NM_001286205.2); c.488A>T, p.Glu163Val (NM_001286208.2); c.989A>T, p.Glu330Val (NM_001286209.2); c.1064A>T (NM_001481.2); short protein forms E163V, E330V, E272V, E355V.
Identifiers: ClinVar variation 2047509 (VCV002047509.3), dbSNP rs370443478, ClinGen allele CA8258093.